The following is an entry in ClinVar:

GRCh37/hg19 7q36.2-36.3(chr7:153958355-159119707)x1

Genes: CNPY1 (canopy FGF signaling regulator 1; minus strand), DNAJB6 (DnaJ heat shock protein family (Hsp40) member B6; plus strand), DYNC2I1 (dynein 2 intermediate chain 1; plus strand), EN2 (engrailed homeobox 2; plus strand), ESYT2 (extended synaptotagmin 2; minus strand) and 13 more. Cytogenetic location: 7q36.2-36.3.
Variant type: copy number loss.
Change: copy number 1 (one copy instead of two) of chr7:153,958,355-159,119,707 (5.16 Mb, GRCh37 coordinates, 1-based), cytogenetic band 7q36.2-36.3.
Identifiers: ClinVar variation 563418 (VCV000563418.1).

ClinVar aggregate classification (germline): Pathogenic (1 of 4 stars; one submission).

Submission:

Quest Diagnostics Nichols Institute San Juan Capistrano
Classification: Pathogenic. Last evaluated: 2023-10-10. Review status: criteria provided, single submitter. Criteria: ACMG/ClinGen CNV Guidelines, 2019. Collection method: clinical testing. Allele origin: unknown.
Comment: This terminal deletion of 7q involves multiple genes including SHH (OMIM 600725) and MNX1 (HLXB9; OMIM 142994). Haploinsufficiency of SHH is associated with holoprosencephaly-3 (CCID:007843; HPE3; OMIM 142945; Lami 2013), and haploinsufficiency of MNX1 is associated with the Currarino syndrome (CS; OMIM 176450; CCID:007477). Thus, this CNV is classified as pathogenic. References: Lami et al., J Genet. 2013 Apr;92(1):97-101. PMID: 23640411